The following is an entry in ClinVar:

ClinVar aggregate classification (germline): Uncertain significance. Review status: criteria provided, multiple submitters, no conflicts (2 of 4 stars). 2 submissions from 2 submitters: Uncertain significance (2). Last evaluated 2025-04-24.

Conditions:
Hereditary cancer-predisposing syndrome. Also called: Neoplastic Syndromes, Hereditary; Tumor predisposition; Hereditary Cancer Syndrome; Hereditary neoplastic syndrome. Identifiers: Orphanet 140162, MedGen C0027672, MeSH D009386, MONDO:0015356.
Bloom syndrome (BLM). Also called: Bloom-Torre-Machacek syndrome. Identifiers: Orphanet 125, MedGen C0005859, MONDO:0008876, OMIM 210900.

Allele frequency attached by ClinVar (database versions not stated): gnomAD exomes below 0.00001.
gnomAD v4.1: 1 of 1,614,046 alleles (0.000062%); highest among the groups gnomAD compares: Non-Finnish European, 0.000085%; no homozygotes.

Submissions (2):

Ambry Genetics
Classification: Uncertain significance for Hereditary cancer-predisposing syndrome. Last evaluated: 2025-04-24. Review status: criteria provided, single submitter. Criteria: Ambry Variant Classification Scheme 2023. Collection method: clinical testing. Allele origin: germline.
Comment: The p.C1364Y variant (also known as c.4091G>A), located in coding exon 21 of the BLM gene, results from a G to A substitution at nucleotide position 4091. The cysteine at codon 1364 is replaced by tyrosine, an amino acid with highly dissimilar properties. This amino acid position is not well conserved in available vertebrate species. In addition, this alteration is predicted to be tolerated by in silico analysis. Since supporting evidence is limited at this time, the clinical significance of this alteration remains unclear.

Labcorp Genetics (formerly Invitae), Labcorp
Classification: Uncertain significance for Bloom syndrome. Last evaluated: 2025-01-20. Review status: criteria provided, single submitter. Criteria: Invitae Variant Classification Sherloc (09022015). Collection method: clinical testing. Allele origin: germline.
Comment: This sequence change replaces cysteine, which is neutral and slightly polar, with tyrosine, which is neutral and polar, at codon 1364 of the BLM protein (p.Cys1364Tyr). This variant is not present in population databases (gnomAD no frequency). This variant has not been reported in the literature in individuals affected with BLM-related conditions. ClinVar contains an entry for this variant (Variation ID: 1737751). Invitae Evidence Modeling of protein sequence and biophysical properties (such as structural, functional, and spatial information, amino acid conservation, physicochemical variation, residue mobility, and thermodynamic stability) indicates that this missense variant is not expected to disrupt BLM protein function with a negative predictive value of 80%. In summary, the available evidence is currently insufficient to determine the role of this variant in disease. Therefore, it has been classified as a Variant of Uncertain Significance.

NM_000057.4(BLM):c.4091G>A (p.Cys1364Tyr)

Gene: BLM (BLM RecQ like helicase; plus strand). Cytogenetic location: 15q26.1.
Variant type: single nucleotide variant.
Coding change: c.4091G>A on transcript NM_000057.4 (MANE Select); coding-DNA position 4091, G replaced by A.
Protein change: p.Cys1364Tyr; replaces cysteine 1364 with tyrosine.
Molecular consequence: missense variant.
Genome position (GRCh38, 1-based): chr15:90,815,116, G>A. VCF-style: chr15-90815116-G-A. GRCh37 (hg19) VCF-style: chr15-91358346-G-A.
Other names: c.4091G>A, p.Cys1364Tyr (NM_001287246.2); c.3698G>A, p.Cys1233Tyr (NM_001287247.2); c.2966G>A, p.Cys989Tyr (NM_001287248.2); short protein forms C1233Y, C1364Y, C989Y.
Identifiers: ClinVar variation 1737751 (VCV001737751.9), dbSNP rs2505575050, ClinGen allele CA393852072.